The following is an entry in ClinVar:

NM_000051.4(ATM):c.8120C>T (p.Ser2707Phe)

Genes: ATM (ATM serine/threonine kinase; plus strand), C11orf65 (chromosome 11 open reading frame 65; minus strand). Cytogenetic location: 11q22.3.
Variant type: single nucleotide variant.
Coding change: c.8120C>T on transcript NM_000051.4 (MANE Select); coding-DNA position 8120, C replaced by T.
Protein change: p.Ser2707Phe; replaces serine 2707 with phenylalanine.
Molecular consequence: missense variant. On other transcripts: intron variant (2).
Genome position (GRCh38, 1-based): chr11:108,335,078, C>T. VCF-style: chr11-108335078-C-T. GRCh37 (hg19) VCF-style: chr11-108205805-C-T.
Other names: c.8120C>T, p.Ser2707Phe (NM_001351834.2); c.641-26007G>A (NM_001330368.2); c.*38+142G>A (NM_001351110.2); short protein forms S2707F.
Identifiers: ClinVar variation 1415339 (VCV001415339.8), dbSNP rs748016261, ClinGen allele CA382562164.

ClinVar aggregate classification (germline): Uncertain significance (1 of 4 stars; one submission).

Conditions:
Ataxia-telangiectasia syndrome (AT). Also called: Ataxia-telangiectasia; LOUIS-BAR SYNDROME; Ataxia-telangiectasia, complementation group D; AT, COMPLEMENTATION GROUP C; ATAXIA-TELANGIECTASIA, COMPLEMENTATION GROUP A; ATAXIA-TELANGIECTASIA, FRESNO VARIANT. Identifiers: Orphanet 100, MedGen C0004135, MONDO:0008840, OMIM 208900.

Submission:

Labcorp Genetics (formerly Invitae), Labcorp
Classification: Uncertain significance for Ataxia-telangiectasia syndrome. Last evaluated: 2023-07-17. Review status: criteria provided, single submitter. Criteria: Invitae Variant Classification Sherloc (09022015). Collection method: clinical testing. Allele origin: germline.
Comment: In summary, the available evidence is currently insufficient to determine the role of this variant in disease. Therefore, it has been classified as a Variant of Uncertain Significance. An algorithm developed to predict the effect of missense changes on protein structure and function (PolyPhen-2) suggests that this variant is likely to be disruptive. ClinVar contains an entry for this variant (Variation ID: 1415339). This variant has not been reported in the literature in individuals affected with ATM-related conditions. This variant is not present in population databases (gnomAD no frequency). This sequence change replaces serine, which is neutral and polar, with phenylalanine, which is neutral and non-polar, at codon 2707 of the ATM protein (p.Ser2707Phe).